The following is an entry in ClinVar:

NM_001365536.1(SCN9A):c.3471T>C (p.Asp1157=)

Genes: SCN9A (sodium voltage-gated channel alpha subunit 9; minus strand), SCN1A-AS1 (SCN1A and SCN9A antisense RNA 1; plus strand). Cytogenetic location: 2q24.3.
Variant type: single nucleotide variant.
Coding change: c.3471T>C on transcript NM_001365536.1 (MANE Select); coding-DNA position 3471, T replaced by C.
Protein change: p.Asp1157=; no amino-acid change (aspartic acid 1157 retained).
Molecular consequence: synonymous variant.
Genome position (GRCh38, 1-based): chr2:166,251,766, A>G on the plus strand (T>C on the coding strand, the complement: SCN9A is on the minus strand). VCF-style: chr2-166251766-A-G. GRCh37 (hg19) VCF-style: chr2-167108276-A-G.
Other names: c.3438T>C, p.Asp1146= (NM_002977.4).
Identifiers: ClinVar variation 1909585 (VCV001909585.5), dbSNP rs200216331, ClinGen allele CA59816492.

ClinVar aggregate classification (germline): Uncertain significance (1 of 4 stars; one submission).

Conditions:
Neuropathy, hereditary sensory and autonomic, type 2A (HSAN2A). Also called: ACROOSTEOLYSIS, GIACCAI TYPE; ACROOSTEOLYSIS, NEUROGENIC; WNK1-Related HSAN2 (HSAN2A); MORVAN DISEASE; NEUROPATHY, CONGENITAL SENSORY; NEUROPATHY, HEREDITARY SENSORY RADICULAR, AUTOSOMAL RECESSIVE. Identifiers: Orphanet 970, MedGen C2752089, MONDO:0024309, OMIM 201300.
Generalized epilepsy with febrile seizures plus, type 7 (GEFSP7). Also called: GEFS+, TYPE 7. Identifiers: Orphanet 36387, MedGen C2751778, MONDO:0013470, OMIM 613863.

Allele frequency attached by ClinVar (database versions not stated): gnomAD exomes below 0.00001; gnomAD 0.00001.
gnomAD v4.1: 5 of 1,612,410 alleles (0.00031%); highest among the groups gnomAD compares: Admixed American, 0.0033%; no homozygotes.

Submission:

Labcorp Genetics (formerly Invitae), Labcorp
Classification: Uncertain significance for Neuropathy, hereditary sensory and autonomic, type 2A; Generalized epilepsy with febrile seizures plus, type 7. Last evaluated: 2025-10-06. Review status: criteria provided, single submitter. Criteria: Invitae Variant Classification Sherloc (09022015). Collection method: clinical testing. Allele origin: germline.
Comment: This sequence change affects codon 1146 of the SCN9A mRNA. It is a 'silent' change, meaning that it does not change the encoded amino acid sequence of the SCN9A protein. It affects a nucleotide within the consensus splice site. This variant is not present in population databases (gnomAD no frequency). This variant has not been reported in the literature in individuals affected with SCN9A-related conditions. ClinVar contains an entry for this variant (Variation ID: 1909585). Algorithms developed to predict the effect of sequence changes on RNA splicing suggest that this variant is not likely to affect RNA splicing. In summary, the available evidence is currently insufficient to determine the role of this variant in disease. Therefore, it has been classified as a Variant of Uncertain Significance.